The following is an entry in ClinVar:

NM_002055.5(GFAP):c.802G>C (p.Ala268Pro)

Gene: GFAP (glial fibrillary acidic protein; minus strand). Cytogenetic location: 17q21.31.
Variant type: single nucleotide variant.
Coding change: c.802G>C on transcript NM_002055.5 (MANE Select); coding-DNA position 802, G replaced by C.
Protein change: p.Ala268Pro; replaces alanine 268 with proline.
Molecular consequence: missense variant.
Genome position (GRCh38, 1-based): chr17:44,911,776, C>G on the plus strand (G>C on the coding strand, the complement: GFAP is on the minus strand). VCF-style: chr17-44911776-C-G. GRCh37 (hg19) VCF-style: chr17-42989144-C-G.
Other names: p.Ala268Pro; c.802G>C, p.Ala268Pro (NM_001131019.3, NM_001242376.3, NM_001363846.2); short protein forms A268P.
Identifiers: ClinVar variation 5021460 (VCV005021460.1).

ClinVar aggregate classification (germline): Likely pathogenic (1 of 4 stars; one submission).

Conditions:
Alexander disease (ALXDRD). Also called: Alexander's disease. Identifiers: Orphanet 58, MedGen C0270726, MONDO:0008752, OMIM 203450.

Submission:

Department of Neurology, Shantou Central Hospital
Classification: Likely pathogenic for Alexander disease. Review status: criteria provided, single submitter. Criteria: ACMG Guidelines, 2015. Collection method: clinical testing. Allele origin: unknown, inherited. Inheritance: Autosomal dominant inheritance. Affected: yes. Observed: 4 variant alleles, 4 heterozygotes. Clinical features observed: Cervical spinal cord atrophy (HP:0010873), Dysarthria (HP:0001260), Hyperreflexia (HP:0001347), Ataxia (HP:0001251), Babinski sign (HP:0003487), Spasticity (HP:0001257).
Comment: This novel heterozygous missense variant **GFAP c.802G>C (p.Ala268Pro)** is classified as Likely pathogenic according to the 2015 ACMG‑AMP sequence‑variant interpretation criteria. This variant is absent or shows an extremely low allele frequency in the gnomAD, 1000 Genomes, and ExAC population databases (PM2). Other pathogenic missense alterations affecting this amino‑acid residue have been previously confirmed (PM5). Multiple in‑silico prediction tools including SIFT, PolyPhen2, and MutationTaster suggest a deleterious effect of this variant on the protein product (PP3). The proband exhibits clinical and neuroimaging features highly consistent with the typical phenotype of adult‑onset Alexander disease, a monogenic disorder (PP4). Taken together with two moderate‑strength evidence items (PM2, PM5) and three supporting‑strength evidence items (PP1, PP3, PP4), this variant fulfils the criteria for a Likely pathogenic classification.

Literature cited by the submitters: PubMed 28448978; PubMed 40350261.